The following is an entry in ClinVar:

ClinVar aggregate classification (germline): Pathogenic (1 of 4 stars; one submission).

Conditions:
Charcot-Marie-Tooth disease type 4. Also called: Charcot-Marie-Tooth disease, type IV; Charcot-Marie-Tooth, Type 4. Identifiers: Orphanet 64749, MedGen C4082197, MONDO:0018995.

Submission:

Labcorp Genetics (formerly Invitae), Labcorp
Classification: Pathogenic for Charcot-Marie-Tooth disease type 4. Last evaluated: 2024-11-30. Review status: criteria provided, single submitter. Criteria: Invitae Variant Classification Sherloc (09022015). Collection method: clinical testing. Allele origin: germline.
Comment: This sequence change creates a premature translational stop signal (p.Gly550Argfs*11) in the FGD4 gene. It is expected to result in an absent or disrupted protein product. Loss-of-function variants in FGD4 are known to be pathogenic (PMID: 17564972). This variant is not present in population databases (gnomAD no frequency). This variant has not been reported in the literature in individuals affected with FGD4-related conditions. For these reasons, this variant has been classified as Pathogenic.

Literature cited by the submitters: PubMed 17564972.

NM_001370298.3(FGD4):c.2058dup (p.Gly687fs)

Gene: FGD4 (FYVE, RhoGEF and PH domain containing 4; plus strand). Cytogenetic location: 12p11.21.
Variant type: Duplication.
Coding change: c.2058dup on transcript NM_001370298.3 (MANE Select); coding-DNA position 2058, one base duplicated (A; older notation c.2058dupA).
Protein change: p.Gly687fs; shifts the reading frame from glycine 687.
Molecular consequence: frameshift variant.
Genome position (GRCh38, 1-based): chr12:32,625,665, A duplicated. VCF-style (leftmost placement, unchanged base first): chr12-32625664-T-TA. GRCh37 (hg19) VCF-style: chr12-32778598-T-TA.
Other names: c.1368dup, p.Gly457fs (NM_001330374.2, NM_001384130.1, NM_001330373.2); c.1095dup, p.Gly366fs (NM_001370297.1); c.2058dup, p.Gly687fs (NM_001384126.1); c.1647dup, p.Gly550fs (NM_001384127.1, NM_001384128.1, NM_001385118.1 and 1 more transcripts); c.1902dup, p.Gly635fs (NM_001304481.2); c.903dup, p.Gly302fs (NM_001304483.2); c.615dup, p.Gly206fs (NM_001304484.2); short protein forms G206fs, G687fs, G302fs, G366fs, G550fs, G457fs, G635fs.
Identifiers: ClinVar variation 3689736 (VCV003689736.2).
Genomic context (GRCh38, chr12:32,625,664, plus strand): 5'-GGGAATTATAGTTTTTTTCTATTAAAATTGAATCTTTCTTCCCTTTTTAGACTGCTGAGC[T>TA]AGGGAAAAGAGCCCCAAGATGGATCCGAGATAATGAAGTGACAATGTGTATGAAATGTAA-3'